The following is an entry in ClinVar:

NM_000459.5(TEK):c.3353_3354del (p.Cys1118fs)

Gene: TEK (TEK receptor tyrosine kinase; plus strand). Cytogenetic location: 9p21.2.
Variant type: Deletion.
Coding change: c.3353_3354del on transcript NM_000459.5 (MANE Select); coding-DNA positions 3353 to 3354, 2 bases deleted (GT; older notation c.3353_3354delGT).
Protein change: p.Cys1118fs; shifts the reading frame from cysteine 1118.
Molecular consequence: frameshift variant.
Genome position (GRCh38, 1-based): chr9:27,229,210-27,229,211, GT deleted; deleting any 2 consecutive bases within chr9:27,229,209-27,229,211 gives the same sequence; the c. name uses the placement nearest the transcript's 3' end. VCF-style (leftmost placement, unchanged base first): chr9-27229208-CTG-C. GRCh37 (hg19) VCF-style: chr9-27229206-CTG-C.
Other names: c.3224_3225delGT, p.Cys1075Phefs (NM_001290077.2); c.2909_2910delGT, p.Cys970Phefs (NM_001290078.2); c.3350_3351del, p.Cys1117fs (NM_001375475.1); c.3221_3222del, p.Cys1074fs (NM_001375476.1); short protein forms C1074fs, C1075fs, C1117fs, C1118fs, C970fs.
Identifiers: ClinVar variation 3774525 (VCV003774525.1).
Genomic context (GRCh38, chr9:27,229,208, plus strand): 5'-ATTCTTCCAGACCTACGTGAATACCACGCTTTATGAGAAGTTTACTTATGCAGGAATTGA[CTG>C]TTCTGCTGAAGAAGCGGCCTAGGACAGAACATCTGTATACCCTCTGTTTCCCTTTCACTG-3'

ClinVar aggregate classification (germline): Likely pathogenic (1 of 4 stars; one submission).

Conditions:
Vascular malformation. Also called: Vascular malformations. Identifiers: MedGen C0158570, MONDO:0024291.

Submission:

Clinical Genomics Laboratory, Washington University in St. Louis
Classification: Likely pathogenic for Vascular malformation. Last evaluated: 2024-07-16. Review status: criteria provided, single submitter. Criteria: Leon-Quintero et al. (Clin Genet. 2025). Collection method: clinical testing. Allele origin: somatic. Affected: yes.
Comment: A TEK c.3353_3354del (p.Cys1118Phefs*3) variant was identified at an allelic fraction consistent with somatic origin. This variant, to our knowledge, has not been reported in the medical literature and is absent from the general population (gnomAD v.4.1.0), indicating it is not a common variant. The TEK c.3353_3354del (p.Cys1118Phefs*3) variant resides within the C-terminal tail, which is defined as a critical functional domain (Shewchuk LM et al., PMID: 11080633). Functional studies on another frameshifting variant (p.Gly1115*) in exon 23 of TEK (carboxy terminus of Tie2) demonstrated ligand-independent hyperphosphorylation of the Tie2 receptor, which is predicted to disrupt an autoinhibitory mechanism involving the C terminal region of Tie2 and thus resulting in constitutive activation of the downstream AKT signaling pathway (Natynki M et al., PMID: 26319232; Soblet J et al., PMID: 23801934). This variant causes a frameshift by deleting two nucleotides, leading to a premature termination codon; however, because this occurs in the last exon, this is not predicted to lead to nonsense mediated decay. Furthermore, numerous other insertion/deletion variants have been reported in this region in multiple patients with vascular/venous malformations (ClinVar). Based on available information and an internally developed protocol informed by the ACMG/AMP guidelines for variant interpretation and gene-specific practices from the ClinGen Criteria Specification Registry (Leon-Quintero FZ et al., PMID: 39434542), the TEK c.3353_3354del (p.Cys1118Phefs*3) variant is classified as likely pathogenic.